The following is an entry in ClinVar:

NM_024675.4(PALB2):c.1587_1589delinsCC (p.Leu531fs)

Gene: PALB2 (partner and localizer of BRCA2; minus strand). Cytogenetic location: 16p12.2.
Variant type: Indel.
Coding change: c.1587_1589delinsCC on transcript NM_024675.4 (MANE Select); coding-DNA positions 1587 to 1589, ACT replaced by CC.
Protein change: p.Leu531fs; shifts the reading frame from leucine 531.
Molecular consequence: frameshift variant. On other transcripts: intron variant (3).
Genome position (GRCh38, 1-based): chr16:23,634,957-23,634,959, AGT replaced by GG on the plus strand (ACT replaced by CC on the coding strand, the reverse complement: PALB2 is on the minus strand). VCF-style: chr16-23634957-AGT-GG. GRCh37 (hg19) VCF-style: chr16-23646278-AGT-GG.
Other names: c.1527_1529delinsCC, p.Leu511fs (NM_001407296.1); c.1587_1589delinsCC, p.Leu531fs (NM_001407297.1, NM_001407298.1, NM_001407299.1 and 3 more transcripts); c.702_704delinsCC, p.Leu236fs (NM_001407304.1, NM_001407305.1, NM_001407306.1 and 5 more transcripts); c.49-5684_49-5682delinsCC (NM_001407314.1); c.-104-4490_-104-4488delinsCC (NM_001407313.1, NM_001407312.1); short protein forms L236fs, L511fs, L531fs.
Identifiers: ClinVar variation 2674131 (VCV002674131.3), dbSNP rs2506472466, ClinGen allele CA2695197456.

ClinVar aggregate classification (germline): Pathogenic. Review status: criteria provided, multiple submitters, no conflicts (2 of 4 stars). 2 submissions from 2 submitters: Pathogenic (2). Last evaluated 2023-09-11.

Conditions:
Hereditary cancer-predisposing syndrome. Also called: Tumor predisposition; Hereditary neoplastic syndrome; Neoplastic Syndromes, Hereditary; Hereditary Cancer Syndrome. Identifiers: Orphanet 140162, MedGen C0027672, MeSH D009386, MONDO:0015356.
Familial cancer of breast. Also called: Hereditary breast cancer; BREAST CANCER, FAMILIAL; hereditary breast carcinoma. Identifiers: Orphanet 227535, MedGen C0346153, MONDO:0016419, OMIM 114480. Disease mechanism: loss of function.

Submissions (2):

Myriad Genetics, Inc.
Classification: Pathogenic for Familial cancer of breast. Last evaluated: 2023-09-11. Review status: criteria provided, single submitter. Criteria: Myriad Autosomal Dominant, Autosomal Recessive and X-Linked Classification Criteria (2023). Collection method: clinical testing. Allele origin: unknown.
Comment: This variant is considered pathogenic. This variant creates a frameshift predicted to result in premature protein truncation.

Color Diagnostics, LLC DBA Color Health
Classification: Pathogenic for Hereditary cancer-predisposing syndrome. Last evaluated: 2022-02-01. Review status: criteria provided, single submitter. Criteria: ACMG Guidelines, 2015. Collection method: clinical testing. Allele origin: germline.
Comment: This c.1587_1589delinsCC variant creates a frameshift and premature translation stop signal in exon 4 of the PALB2 gene. This variant is expected to result in an absent or non-functional protein product. This variant can also be described as a combination of a Pathogenic frameshift variant c.1592del (p.Leu531Cysfs*30) and a Likely Benign synonymous variant c.1587A>C (p.Pro529=). The c.1592del variant is well described in the literature and known to be disease causing (ClinVar variation ID: 126609). Loss of PALB2 function is a known mechanism of disease. Based on the available evidence, this variant is classified as Pathogenic.